The following is an entry in ClinVar:

ClinVar aggregate classification (germline): Uncertain significance. Review status: criteria provided, multiple submitters, no conflicts (2 of 4 stars). 5 submissions from 5 submitters: Uncertain significance (4). 1 of the submissions does not count toward it. Last evaluated 2026-02-01.

Conditions:
ZNF407-related disorder. Also called: ZNF407-related condition.

Allele frequency attached by ClinVar (database versions not stated): ESP Exome Variant Server 0.00008; ExAC 0.00012; 1000 Genomes Project 30x 0.00016; gnomAD exomes 0.00016; gnomAD 0.00017; 1000 Genomes Project 0.00020; TOPMed 0.00020.

Submissions (5):

CeGaT Center for Human Genetics Tuebingen
Classification: Uncertain significance. Last evaluated: 2026-02-01. Review status: criteria provided, single submitter. Criteria: CeGaT Center For Human Genetics Tuebingen Variant Classification Criteria Version 2. Collection method: clinical testing. Allele origin: germline. Affected: yes. Observed: 1 variant allele.
Comment: ZNF407: PM2

Dasa
Classification: Uncertain significance. Last evaluated: 2025-10-17. Review status: criteria provided, single submitter. Criteria: DASA Assertion Criteria. Collection method: clinical testing. Allele origin: germline.
Comment: NM_017757.3(ZNF407):c.5681C>T (p.Ala1894Val) is a missense variant that results in the substitution of alanine with valine. This variant is rare in population databases. The currently available literature and clinical evidence are not sufficient to establish a definitive association between this variant and the reported condition. Therefore, this variant is classified as a variant of uncertain significance.

Ambry Genetics
Classification: Uncertain significance. Last evaluated: 2024-06-07. Review status: criteria provided, single submitter. Criteria: Ambry Variant Classification Scheme 2023. Collection method: clinical testing. Allele origin: germline.

GeneDx
Classification: Uncertain significance. Last evaluated: 2022-06-16. Review status: criteria provided, single submitter. Criteria: GeneDx Variant Classification Process June 2021. Collection method: clinical testing. Allele origin: germline. Affected: yes.
Comment: In silico analysis supports that this missense variant does not alter protein structure/function; Has not been previously published as pathogenic or benign to our knowledge

PreventionGenetics, part of Exact Sciences
Classification: Uncertain significance for ZNF407-related condition. Last evaluated: 2024-02-13. Review status: no assertion criteria provided. Collection method: clinical testing. Allele origin: germline. Not counted in ClinVar's aggregate classification.
Comment: The ZNF407 c.5681C>T variant is predicted to result in the amino acid substitution p.Ala1894Val. To our knowledge, this variant has not been reported in the literature. This variant is reported in 0.020% of alleles in individuals of Latino descent in gnomAD. At this time, the clinical significance of this variant is uncertain due to the absence of conclusive functional and genetic evidence.

NM_017757.3(ZNF407):c.5681C>T (p.Ala1894Val)

Gene: ZNF407 (zinc finger protein 407; plus strand). Cytogenetic location: 18q22.3.
Variant type: single nucleotide variant.
Coding change: c.5681C>T on transcript NM_017757.3 (MANE Select); coding-DNA position 5681, C replaced by T.
Protein change: p.Ala1894Val; replaces alanine 1894 with valine.
Molecular consequence: missense variant.
Genome position (GRCh38, 1-based): chr18:75,063,402, C>T. VCF-style: chr18-75063402-C-T. GRCh37 (hg19) VCF-style: chr18-72775358-C-T.
Other names: c.5681C>T, p.Ala1894Val (NM_001384475.1); short protein forms A1894V.
Identifiers: ClinVar variation 1804271 (VCV001804271.13), dbSNP rs200516739, ClinGen allele CA9001187.